The following is an entry in ClinVar:

ClinVar aggregate classification (germline): Uncertain significance (1 of 4 stars; one submission).

Conditions:
Brunner syndrome (BRNRS). Identifiers: Orphanet 3057, MedGen C0796275, MONDO:0010379, OMIM 300615.

Submission:

Labcorp Genetics (formerly Invitae), Labcorp
Classification: Uncertain significance for Brunner syndrome. Last evaluated: 2022-11-08. Review status: criteria provided, single submitter. Criteria: Invitae Variant Classification Sherloc (09022015). Collection method: clinical testing. Allele origin: germline.
Comment: This sequence change replaces valine, which is neutral and non-polar, with leucine, which is neutral and non-polar, at codon 427 of the MAOA protein (p.Val427Leu). This variant is not present in population databases (gnomAD no frequency). This variant has not been reported in the literature in individuals affected with MAOA-related conditions. Advanced modeling of protein sequence and biophysical properties (such as structural, functional, and spatial information, amino acid conservation, physicochemical variation, residue mobility, and thermodynamic stability) performed at Invitae indicates that this missense variant is not expected to disrupt MAOA protein function. In summary, the available evidence is currently insufficient to determine the role of this variant in disease. Therefore, it has been classified as a Variant of Uncertain Significance.

NM_000240.4(MAOA):c.1279G>T (p.Val427Leu)

Gene: MAOA (monoamine oxidase A; plus strand). Cytogenetic location: Xp11.3.
Variant type: single nucleotide variant.
Coding change: c.1279G>T on transcript NM_000240.4 (MANE Select); coding-DNA position 1279, G replaced by T.
Protein change: p.Val427Leu; replaces valine 427 with leucine.
Molecular consequence: missense variant.
Genome position (GRCh38, 1-based): chrX:43,743,810, G>T. VCF-style: chrX-43743810-G-T. GRCh37 (hg19) VCF-style: chrX-43603057-G-T.
Other names: c.880G>T, p.Val294Leu (NM_001270458.2); short protein forms V294L, V427L.
Identifiers: ClinVar variation 1946510 (VCV001946510.5), dbSNP rs1441933667, ClinGen allele CA413010220.